The following is an entry in ClinVar:

NM_006019.4(TCIRG1):c.890A>C (p.His297Pro)

Gene: TCIRG1 (T cell immune regulator 1, ATPase H+ transporting V0 subunit a3; plus strand). Cytogenetic location: 11q13.2.
Variant type: single nucleotide variant.
Coding change: c.890A>C on transcript NM_006019.4 (MANE Select); coding-DNA position 890, A replaced by C.
Protein change: p.His297Pro; replaces histidine 297 with proline.
Molecular consequence: missense variant. On other transcripts: 5 prime UTR variant (1).
Genome position (GRCh38, 1-based): chr11:68,044,214, A>C. VCF-style: chr11-68044214-A-C. GRCh37 (hg19) VCF-style: chr11-67811681-A-C.
Other names: c.-5A>C (NM_001351059.2); c.242A>C, p.His81Pro (NM_006053.4); short protein forms H297P, H81P.
Identifiers: ClinVar variation 3805176 (VCV003805176.2).
Genomic context (GRCh38, chr11:68,044,214, plus strand): 5'-TCCTGAGCCAGGTGCTAGGCCGGGTGCTGCAGCTGCTGCCGCCAGGGCAGGTGCAGGTCC[A>C]CAAGATGAAGGCCGTGTACCTGGCCCTGAACCAGTGCAGCGTGAGCACCACGCACAAGTG-3'
Protein context (NP_006010.2, residues 287-307): QLLPPGQVQV[His297Pro]KMKAVYLALN

ClinVar aggregate classification (germline): Uncertain significance. Review status: criteria provided, multiple submitters, no conflicts (2 of 4 stars). 2 submissions from 2 submitters: Uncertain significance (2). Last evaluated 2025-04-08.

Conditions:
Inborn genetic diseases. Identifiers: MedGen C0950123, MeSH D030342.

Submissions (2):

Labcorp Genetics (formerly Invitae), Labcorp
Classification: Uncertain significance. Last evaluated: 2025-04-08. Review status: criteria provided, single submitter. Criteria: Invitae Variant Classification Sherloc (09022015). Collection method: clinical testing. Allele origin: germline.
Comment: This sequence change replaces histidine, which is basic and polar, with proline, which is neutral and non-polar, at codon 297 of the TCIRG1 protein (p.His297Pro). This variant is not present in population databases (gnomAD no frequency). This variant has not been reported in the literature in individuals affected with TCIRG1-related conditions. Invitae Evidence Modeling of protein sequence and biophysical properties (such as structural, functional, and spatial information, amino acid conservation, physicochemical variation, residue mobility, and thermodynamic stability) indicates that this missense variant is not expected to disrupt TCIRG1 protein function with a negative predictive value of 80%. In summary, the available evidence is currently insufficient to determine the role of this variant in disease. Therefore, it has been classified as a Variant of Uncertain Significance.

Ambry Genetics
Classification: Uncertain significance for Inborn genetic diseases. Last evaluated: 2025-01-22. Review status: criteria provided, single submitter. Criteria: Ambry Variant Classification Scheme 2023. Collection method: clinical testing. Allele origin: germline.